The following is an entry in ClinVar:

NM_001145026.2(PTPRQ):c.5912C>T (p.Thr1971Met)

Gene: PTPRQ (protein tyrosine phosphatase receptor type Q; plus strand). Cytogenetic location: 12q21.31.
Variant type: single nucleotide variant.
Coding change: c.5912C>T on transcript NM_001145026.2 (MANE Select); coding-DNA position 5912, C replaced by T.
Protein change: p.Thr1971Met; replaces threonine 1971 with methionine.
Molecular consequence: missense variant.
Genome position (GRCh38, 1-based): chr12:80,635,070, C>T. VCF-style: chr12-80635070-C-T. GRCh37 (hg19) VCF-style: chr12-81028849-C-T.
Other names: short protein forms T1971M.
Identifiers: ClinVar variation 2500581 (VCV002500581.3), dbSNP rs1378147311, ClinGen allele CA385934981.
Genomic context (GRCh38, chr12:80,635,070, plus strand): 5'-AATTGAAGCTGGATCAGCTCATCACAGTGGCAGACCTGGAACTGAAGGACGAGAGATTAA[C>T]GCGGTGAGCACACTCCTCTGGGTGAACTGTGGTCCAGAGGGCCTGGAGCCATGACCCTAT-3'
Protein context (NP_001138498.1, residues 1961-1981): ADLELKDERL[Thr1971Met]RLLSYRKSIK

ClinVar aggregate classification (germline): Uncertain significance. Review status: criteria provided, multiple submitters, no conflicts (2 of 4 stars). 2 submissions from 2 submitters: Uncertain significance (2). Last evaluated 2025-07-08.

Conditions:
PTPRQ-related disorder. Also called: PTPRQ-related condition.

Allele frequency attached by ClinVar (database versions not stated): gnomAD 0.00001; gnomAD exomes 0.00003; TOPMed 0.00004.
gnomAD v4.1: 39 of 1,550,632 alleles (0.0025%); highest among the groups gnomAD compares: Admixed American, 0.031%; no homozygotes.

Submissions (2):

PreventionGenetics, part of Exact Sciences
Classification: Uncertain significance for PTPRQ-related condition. Last evaluated: 2025-07-08. Review status: criteria provided, single submitter. Criteria: ACMG Guidelines, 2015. Collection method: clinical testing. Allele origin: germline.
Comment: The PTPRQ c.5912C>T variant is predicted to result in the amino acid substitution p.Thr1971Met. To our knowledge, this variant has not been reported in the literature. This variant is reported in 0.025% of alleles in individuals of Latino descent in gnomAD. At this time, the clinical significance of this variant is uncertain due to the absence of conclusive functional and genetic evidence.

GeneDx
Classification: Uncertain significance. Last evaluated: 2025-06-27. Review status: criteria provided, single submitter. Criteria: GeneDx Variant Classification Process June 2021. Collection method: clinical testing. Allele origin: germline.
Comment: In silico analysis supports that this missense variant has a deleterious effect on protein structure/function; Has not been previously published as pathogenic or benign to our knowledge